The following is an entry in ClinVar:

ClinVar aggregate classification (germline): Uncertain significance. Review status: criteria provided, multiple submitters, no conflicts (2 of 4 stars). 2 submissions from 2 submitters: Uncertain significance (2). Last evaluated 2024-02-22.

Conditions:
Arrhythmogenic right ventricular dysplasia 5. Also called: Arrhythmogenic Right Ventricular Dysplasia/Cardiomyopathy 5; ARRHYTHMOGENIC RIGHT VENTRICULAR DYSPLASIA, FAMILIAL, 5. Identifiers: MedGen C1858379, MONDO:0011459, OMIM 604400.
Cardiomyopathy (CMYO). Also called: Cardiomyopathies. Identifiers: Orphanet 167848, MedGen C0878544, MONDO:0004994, HP:0001638. Inheritance: Various modes of inheritance.

gnomAD v4.1: 2 of 1,613,456 alleles (0.00012%); highest among the groups gnomAD compares: African/African-American, 0.0013%; no homozygotes.

Submissions (2):

All of Us Research Program, National Institutes of Health
Classification: Uncertain significance for Arrhythmogenic right ventricular dysplasia 5. Last evaluated: 2024-02-22. Review status: criteria provided, single submitter. Criteria: ACMG Guidelines, 2015. Collection method: clinical testing. Allele origin: germline. Inheritance: Autosomal dominant inheritance. Observed: 1 variant allele, 1 heterozygote.
Comment: This missense variant replaces proline with serine at codon 82 of the TMEM43 protein. Computational prediction suggests that this variant may not impact protein structure and function (internally defined REVEL score threshold <= 0.5, PMID: 27666373). To our knowledge, functional studies have not been reported for this variant. This variant has not been reported in individuals affected with TMEM43-related disorders in the literature. This variant has not been identified in the general population by the Genome Aggregation Database (gnomAD). The available evidence is insufficient to determine the role of this variant in disease conclusively. Therefore, this variant is classified as a Variant of Uncertain Significance.

This study involves interpretation of variants in research participants for the purpose of population health screening. Participant phenotype was not available at the time of variant classification. Additional details can be found in publication PMID: 35346344, PMCID: PMC8962531

Color Diagnostics, LLC DBA Color Health
Classification: Uncertain significance for Cardiomyopathy. Last evaluated: 2024-01-29. Review status: criteria provided, single submitter. Criteria: ACMG Guidelines, 2015. Collection method: clinical testing. Allele origin: germline.
Comment: This missense variant replaces proline with serine at codon 82 of the TMEM43 protein. Computational prediction suggests that this variant may not impact protein structure and function. To our knowledge, functional studies have not been reported for this variant. This variant has not been reported in individuals affected with TMEM43-related disorders in the literature. This variant has not been identified in the general population by the Genome Aggregation Database (gnomAD). The available evidence is insufficient to determine the role of this variant in disease conclusively. Therefore, this variant is classified as a Variant of Uncertain Significance.

NM_024334.3(TMEM43):c.244C>T (p.Pro82Ser)

Gene: TMEM43 (transmembrane protein 43; plus strand). Cytogenetic location: 3p25.1.
Variant type: single nucleotide variant.
Coding change: c.244C>T on transcript NM_024334.3 (MANE Select); coding-DNA position 244, C replaced by T.
Protein change: p.Pro82Ser; replaces proline 82 with serine.
Molecular consequence: missense variant.
Genome position (GRCh38, 1-based): chr3:14,130,903, C>T. VCF-style: chr3-14130903-C-T. GRCh37 (hg19) VCF-style: chr3-14172403-C-T.
Other names: c.244C>T, p.Pro82Ser (NM_001407274.1, NM_001407275.1, NM_001407276.1 and 2 more transcripts); c.229C>T, p.Pro77Ser (NM_001407278.1); c.94C>T, p.Pro32Ser (NM_001407280.1); short protein forms P32S, P77S, P82S.
Identifiers: ClinVar variation 3386079 (VCV003386079.2).
Genomic context (GRCh38, chr3:14,130,903, plus strand): 5'-ACCTCATTGGCTGAGGGGCTCTCGCTTGTGGTGTCTCCCGACAGCATCCACAGTGTGGCT[C>T]CGGAGAATGAAGGAAGGCTGGTGCACATCATTGGCGCCTTACGGACATCCAAGGTAGGTT-3'
Protein context (NP_077310.1, residues 72-92): VSPDSIHSVA[Pro82Ser]ENEGRLVHII